The following is an entry in ClinVar:

NM_001035.3(RYR2):c.14372A>C (p.Lys4791Thr)

Gene: RYR2 (ryanodine receptor 2; plus strand). Cytogenetic location: 1q43.
Variant type: single nucleotide variant.
Coding change: c.14372A>C on transcript NM_001035.3 (MANE Select); coding-DNA position 14372, A replaced by C.
Protein change: p.Lys4791Thr; replaces lysine 4791 with threonine.
Molecular consequence: missense variant.
Genome position (GRCh38, 1-based): chr1:237,808,974, A>C. VCF-style: chr1-237808974-A-C. GRCh37 (hg19) VCF-style: chr1-237972274-A-C.
Other names: short protein forms K4791T.
Identifiers: ClinVar variation 2769766 (VCV002769766.3), dbSNP rs1057524525, ClinGen allele CA345424313.

ClinVar aggregate classification (germline): Uncertain significance (1 of 4 stars; one submission).

Conditions:
Catecholaminergic polymorphic ventricular tachycardia 1. Also called: RYR2-Related Catecholaminergic Polymorphic Ventricular Tachycardia; VENTRICULAR TACHYCARDIA, STRESS-INDUCED POLYMORPHIC 1; VENTRICULAR TACHYCARDIA, CATECHOLAMINERGIC POLYMORPHIC, 1, WITH OR WITHOUT ATRIAL DYSFUNCTION AND/OR DILATED CARDIOMYOPATHY. Identifiers: Orphanet 3286, MedGen C1631597, MONDO:0011484, OMIM 604772.

Submission:

Labcorp Genetics (formerly Invitae), Labcorp
Classification: Uncertain significance for Catecholaminergic polymorphic ventricular tachycardia 1. Last evaluated: 2023-10-18. Review status: criteria provided, single submitter. Criteria: Invitae Variant Classification Sherloc (09022015). Collection method: clinical testing. Allele origin: germline.
Comment: This sequence change replaces lysine, which is basic and polar, with threonine, which is neutral and polar, at codon 4791 of the RYR2 protein (p.Lys4791Thr). This variant is not present in population databases (gnomAD no frequency). This variant has not been reported in the literature in individuals affected with RYR2-related conditions. Advanced modeling of protein sequence and biophysical properties (such as structural, functional, and spatial information, amino acid conservation, physicochemical variation, residue mobility, and thermodynamic stability) performed at Invitae indicates that this missense variant is expected to disrupt RYR2 protein function. In summary, the available evidence is currently insufficient to determine the role of this variant in disease. Therefore, it has been classified as a Variant of Uncertain Significance.